The following is an entry in ClinVar:

NM_144573.4(NEXN):c.1322G>T (p.Gly441Val)

Gene: NEXN (nexilin F-actin binding protein; plus strand). Cytogenetic location: 1p31.1.
Variant type: single nucleotide variant.
Coding change: c.1322G>T on transcript NM_144573.4 (MANE Select); coding-DNA position 1322, G replaced by T.
Protein change: p.Gly441Val; replaces glycine 441 with valine.
Molecular consequence: missense variant.
Genome position (GRCh38, 1-based): chr1:77,935,893, G>T. VCF-style: chr1-77935893-G-T. GRCh37 (hg19) VCF-style: chr1-78401578-G-T.
Other names: c.1130G>T, p.Gly377Val (NM_001172309.2); short protein forms G377V, G441V.
Identifiers: ClinVar variation 4793200 (VCV004793200.1).

ClinVar aggregate classification (germline): Uncertain significance (1 of 4 stars; one submission).

Conditions:
Hypertrophic cardiomyopathy 20. Identifiers: MedGen C3151267, MONDO:0013477, OMIM 613876.
Dilated cardiomyopathy 1CC (CMD1CC). Identifiers: Orphanet 154, MedGen C2751084, MONDO:0013147, OMIM 613122.

Submission:

Labcorp Genetics (formerly Invitae), Labcorp
Classification: Uncertain significance for Dilated cardiomyopathy 1CC; Hypertrophic cardiomyopathy 20. Last evaluated: 2025-06-11. Review status: criteria provided, single submitter. Criteria: Invitae Variant Classification Sherloc (09022015). Collection method: clinical testing. Allele origin: germline.
Comment: This sequence change replaces glycine, which is neutral and non-polar, with valine, which is neutral and non-polar, at codon 441 of the NEXN protein (p.Gly441Val). This variant is not present in population databases (gnomAD no frequency). This variant has not been reported in the literature in individuals affected with NEXN-related conditions. Invitae Evidence Modeling of protein sequence and biophysical properties (such as structural, functional, and spatial information, amino acid conservation, physicochemical variation, residue mobility, and thermodynamic stability) has been performed for this missense variant. However, the output from this modeling did not meet the statistical confidence thresholds required to predict the impact of this variant on NEXN protein function. In summary, the available evidence is currently insufficient to determine the role of this variant in disease. Therefore, it has been classified as a Variant of Uncertain Significance.